The following is an entry in ClinVar:

ClinVar aggregate classification (germline): Uncertain significance (1 of 4 stars; one submission).

Allele frequency attached by ClinVar (database versions not stated): TOPMed 0.00001; gnomAD 0.00003.
gnomAD v4.1: 7 of 1,613,996 alleles (0.00043%); highest among the groups gnomAD compares: Middle Eastern, 0.082%; no homozygotes.

Submission:

Labcorp Genetics (formerly Invitae), Labcorp
Classification: Uncertain significance. Last evaluated: 2024-01-17. Review status: criteria provided, single submitter. Criteria: Invitae Variant Classification Sherloc (09022015). Collection method: clinical testing. Allele origin: germline.
Comment: This sequence change replaces arginine, which is basic and polar, with serine, which is neutral and polar, at codon 254 of the CNGB1 protein (p.Arg254Ser). This variant is not present in population databases (gnomAD no frequency). This variant has not been reported in the literature in individuals affected with CNGB1-related conditions. ClinVar contains an entry for this variant (Variation ID: 1906331). An algorithm developed to predict the effect of missense changes on protein structure and function (PolyPhen-2) suggests that this variant is likely to be disruptive. Algorithms developed to predict the effect of sequence changes on RNA splicing suggest that this variant may disrupt the consensus splice site. In summary, the available evidence is currently insufficient to determine the role of this variant in disease. Therefore, it has been classified as a Variant of Uncertain Significance.

NM_001297.5(CNGB1):c.762G>T (p.Arg254Ser)

Gene: CNGB1 (cyclic nucleotide gated channel subunit beta 1; minus strand). Cytogenetic location: 16q21.
Variant type: single nucleotide variant.
Coding change: c.762G>T on transcript NM_001297.5 (MANE Select); coding-DNA position 762, G replaced by T.
Protein change: p.Arg254Ser; replaces arginine 254 with serine.
Molecular consequence: missense variant.
Genome position (GRCh38, 1-based): chr16:57,958,485, C>A on the plus strand (G>T on the coding strand, the complement: CNGB1 is on the minus strand). VCF-style: chr16-57958485-C-A. GRCh37 (hg19) VCF-style: chr16-57992389-C-A.
Other names: c.762G>T, p.Arg254Ser (NM_001135639.2); c.744G>T, p.Arg248Ser (NM_001286130.2); short protein forms R248S, R254S.
Identifiers: ClinVar variation 1906331 (VCV001906331.5), dbSNP rs1363530847, ClinGen allele CA396076826.